The following is an entry in ClinVar:

NM_024753.5(TTC21B):c.2118G>A (p.Met706Ile)

Gene: TTC21B (tetratricopeptide repeat domain 21B; minus strand). Cytogenetic location: 2q24.3.
Variant type: single nucleotide variant.
Coding change: c.2118G>A on transcript NM_024753.5 (MANE Select); coding-DNA position 2118, G replaced by A.
Protein change: p.Met706Ile; replaces methionine 706 with isoleucine.
Molecular consequence: missense variant.
Genome position (GRCh38, 1-based): chr2:165,915,221, C>T on the plus strand (G>A on the coding strand, the complement: TTC21B is on the minus strand). VCF-style: chr2-165915221-C-T. GRCh37 (hg19) VCF-style: chr2-166771731-C-T.
Other names: short protein forms M706I.
Identifiers: ClinVar variation 2002713 (VCV002002713.3), dbSNP rs2468176112, ClinGen allele CA349058578.

ClinVar aggregate classification (germline): Uncertain significance (1 of 4 stars; one submission).

Conditions:
Jeune thoracic dystrophy. Also called: Short-rib thoracic dysplasia; Jeune syndrome; Infantile thoracic dystrophy; Thoracic pelvic phalangeal dystrophy; Jeune's syndrome; Chondroectodermal dysplasia-like syndrome. Identifiers: Orphanet 474, MedGen C0265275, MONDO:0018770.
Nephronophthisis. Also called: Juvenile Nephronophthisis. Identifiers: Orphanet 655, MedGen C0687120, MONDO:0019005, HP:0000090.

Submission:

Labcorp Genetics (formerly Invitae), Labcorp
Classification: Uncertain significance for Jeune thoracic dystrophy; Nephronophthisis. Last evaluated: 2024-10-21. Review status: criteria provided, single submitter. Criteria: Invitae Variant Classification Sherloc (09022015). Collection method: clinical testing. Allele origin: germline.
Comment: This sequence change replaces methionine, which is neutral and non-polar, with isoleucine, which is neutral and non-polar, at codon 706 of the TTC21B protein (p.Met706Ile). This variant is not present in population databases (gnomAD no frequency). This variant has not been reported in the literature in individuals affected with TTC21B-related conditions. ClinVar contains an entry for this variant (Variation ID: 2002713). Invitae Evidence Modeling of protein sequence and biophysical properties (such as structural, functional, and spatial information, amino acid conservation, physicochemical variation, residue mobility, and thermodynamic stability) indicates that this missense variant is not expected to disrupt TTC21B protein function with a negative predictive value of 95%. In summary, the available evidence is currently insufficient to determine the role of this variant in disease. Therefore, it has been classified as a Variant of Uncertain Significance.